The following is an entry in ClinVar:

NM_003235.5(TG):c.1775C>T (p.Ala592Val)

Gene: TG (thyroglobulin; plus strand). Cytogenetic location: 8q24.22.
Variant type: single nucleotide variant.
Coding change: c.1775C>T on transcript NM_003235.5 (MANE Select); coding-DNA position 1775, C replaced by T.
Protein change: p.Ala592Val; replaces alanine 592 with valine.
Molecular consequence: missense variant.
Genome position (GRCh38, 1-based): chr8:132,887,147, C>T. VCF-style: chr8-132887147-C-T. GRCh37 (hg19) VCF-style: chr8-133899392-C-T.
Other names: short protein forms A592V.
Identifiers: ClinVar variation 2658825 (VCV002658825.24), dbSNP rs142629621, ClinGen allele CA4883239.

ClinVar aggregate classification (germline): Uncertain significance (1 of 4 stars; one submission).

Allele frequency attached by ClinVar (database versions not stated): gnomAD 0.00003; gnomAD exomes 0.00003; TOPMed 0.00004; ExAC 0.00005; ESP Exome Variant Server 0.00008.
gnomAD v4.1: 46 of 1,614,070 alleles (0.0028%); highest among the groups gnomAD compares: Admixed American, 0.005%; no homozygotes.

Submission:

CeGaT Center for Human Genetics Tuebingen
Classification: Uncertain significance. Last evaluated: 2022-06-01. Review status: criteria provided, single submitter. Criteria: CeGaT Center For Human Genetics Tuebingen Variant Classification Criteria Version 2. Collection method: clinical testing. Allele origin: germline. Affected: yes. Observed: 1 variant allele.
Comment: TG: PM2, BP4